The following is an entry in ClinVar:

NM_001276270.2(MBD4):c.1483G>A (p.Glu495Lys)

Gene: MBD4 (methyl-CpG binding domain 4, DNA glycosylase; minus strand). Cytogenetic location: 3q21.3.
Variant type: single nucleotide variant.
Coding change: c.1483G>A on transcript NM_001276270.2 (MANE Select); coding-DNA position 1483, G replaced by A.
Protein change: p.Glu495Lys; replaces glutamic acid 495 with lysine.
Molecular consequence: missense variant.
Genome position (GRCh38, 1-based): chr3:129,433,158, C>T on the plus strand (G>A on the coding strand, the complement: MBD4 is on the minus strand). VCF-style: chr3-129433158-C-T. GRCh37 (hg19) VCF-style: chr3-129152001-C-T.
Other names: c.1501G>A, p.Glu501Lys (NM_001276271.2, NM_001276272.2, NM_003925.3); c.547G>A, p.Glu183Lys (NM_001276273.2); short protein forms E183K, E501K, E495K.
Identifiers: ClinVar variation 5024032 (VCV005024032.1).

ClinVar aggregate classification (germline): Uncertain significance (1 of 4 stars; one submission).

Conditions:
Inborn genetic diseases. Identifiers: MedGen C0950123, MeSH D030342.

Submission:

Ambry Genetics
Classification: Uncertain significance for Inborn genetic diseases. Last evaluated: 2026-08-08. Review status: criteria provided, single submitter. Criteria: Ambry Variant Classification Scheme 2023. Collection method: clinical testing. Allele origin: germline.
Comment: The p.E495K variant (also known as c.1483G>A), located in coding exon 6 of the MBD4 gene, results from a G to A substitution at nucleotide position 1483. The glutamic acid at codon 495 is replaced by lysine, an amino acid with similar properties. This amino acid position is conserved. In addition, the in silico prediction for this alteration is inconclusive. Based on the available evidence, the clinical significance of this variant remains unclear.